The following is an entry in ClinVar:

NM_007325.5(GRIA3):c.2479G>A (p.Val827Ile)

Gene: GRIA3 (glutamate ionotropic receptor AMPA type subunit 3; plus strand). Cytogenetic location: Xq25.
Variant type: single nucleotide variant.
Coding change: c.2479G>A on transcript NM_007325.5 (MANE Select); coding-DNA position 2479, G replaced by A.
Protein change: p.Val827Ile; replaces valine 827 with isoleucine.
Molecular consequence: missense variant.
Genome position (GRCh38, 1-based): chrX:123,482,838, G>A. VCF-style: chrX-123482838-G-A. GRCh37 (hg19) VCF-style: chrX-122616689-G-A.
Other names: c.2479G>A, p.Val827Ile (NM_000828.5); short protein forms V827I.
Identifiers: ClinVar variation 3777865 (VCV003777865.7).

ClinVar aggregate classification (germline): Uncertain significance (1 of 4 stars; one submission).

Submission:

CeGaT Center for Human Genetics Tuebingen
Classification: Uncertain significance. Last evaluated: 2025-03-01. Review status: criteria provided, single submitter. Criteria: CeGaT Center For Human Genetics Tuebingen Variant Classification Criteria Version 2. Collection method: clinical testing. Allele origin: germline. Affected: yes. Observed: 1 variant allele.
Comment: GRIA3: PP2